The following is an entry in ClinVar:

ClinVar aggregate classification (germline): Benign/Likely benign. Review status: criteria provided, multiple submitters, no conflicts (2 of 4 stars). 13 submissions from 13 submitters: Benign (7); Likely benign (5). 1 of the submissions does not count toward it. Last evaluated 2026-02-03.

Conditions:
Classic or attenuated familial adenomatous polyposis. Identifiers: MedGen CN372698, MONDO:0021057.
APC-related disorder. Also called: APC-related condition.
Hereditary cancer-predisposing syndrome. Also called: Tumor predisposition; Neoplastic Syndromes, Hereditary; Hereditary neoplastic syndrome; Hereditary Cancer Syndrome. Identifiers: Orphanet 140162, MedGen C0027672, MeSH D009386, MONDO:0015356.
Desmoid disease, hereditary (DESMD). Also called: FIBROMATOSIS, FAMILIAL INFILTRATIVE. Identifiers: Orphanet 873, MedGen C1851124, OMIM 135290. Disease mechanism: loss of function.
Familial adenomatous polyposis 1 (FAP1). Also called: FAMILIAL ADENOMATOUS POLYPOSIS 1, ATTENUATED; POLYPOSIS, ADENOMATOUS INTESTINAL. Identifiers: MedGen C2713442, MONDO:0021056, OMIM 175100. Disease mechanism: loss of function.

Allele frequency attached by ClinVar (database versions not stated): gnomAD exomes 0.00004 and 0.00011; ExAC 0.00015; 1000 Genomes Project 30x 0.00016; gnomAD 0.00048 and 0.00051; 1000 Genomes Project 0.00020; ESP Exome Variant Server 0.00038; TOPMed 0.00040.
gnomAD v4.1: 124 of 1,614,112 alleles (0.0077%); highest among the groups gnomAD compares: African/African-American, 0.15%; no homozygotes.

Submissions (13):

Labcorp Genetics (formerly Invitae), Labcorp
Classification: Benign for Familial adenomatous polyposis 1. Last evaluated: 2026-02-03. Review status: criteria provided, single submitter. Criteria: Invitae Variant Classification Sherloc (09022015). Collection method: clinical testing. Allele origin: germline.

Blueprint Genetics
Classification: Likely benign. Last evaluated: 2024-11-25. Review status: criteria provided, single submitter. Criteria: ACMG Guidelines, 2015. Collection method: clinical testing. Allele origin: germline.

Department of Pathology and Laboratory Medicine, Sinai Health System
Classification: Likely benign for Familial adenomatous polyposis 1; Desmoid disease, hereditary. Last evaluated: 2024-04-12. Review status: criteria provided, single submitter. Criteria: ACMG Guidelines, 2015. Collection method: clinical testing. Allele origin: germline. Affected: yes.

Myriad Genetics, Inc.
Classification: Benign for Familial adenomatous polyposis 1. Last evaluated: 2024-03-25. Review status: criteria provided, single submitter. Criteria: Myriad Autosomal Dominant, Autosomal Recessive and X-Linked Classification Criteria (2023). Collection method: clinical testing. Allele origin: unknown.
Comment: This variant is considered benign. This variant is a silent/synonymous amino acid change and it is not expected to impact splicing.

All of Us Research Program, National Institutes of Health
Classification: Likely benign for Classic or attenuated familial adenomatous polyposis. Last evaluated: 2024-02-05. Review status: criteria provided, single submitter. Criteria: ACMG Guidelines, 2015. Collection method: clinical testing. Allele origin: germline. Inheritance: Autosomal dominant inheritance. Observed: 20 variant alleles, 20 heterozygotes.
Comment: This study involves interpretation of variants in research participants for the purpose of population health screening. Participant phenotype was not available at the time of variant classification. Additional details can be found in publication PMID: 35346344, PMCID: PMC8962531

Quest Diagnostics Nichols Institute San Juan Capistrano
Classification: Benign. Last evaluated: 2022-12-19. Review status: criteria provided, single submitter. Criteria: Quest Diagnostics criteria. Collection method: clinical testing. Allele origin: unknown.

Genetic Services Laboratory, University of Chicago
Classification: Benign. Last evaluated: 2021-04-29. Review status: criteria provided, single submitter. Criteria: ACMG Guidelines, 2015. Collection method: clinical testing. Allele origin: germline. Affected: no.

Sema4
Classification: Benign for Hereditary cancer-predisposing syndrome. Last evaluated: 2020-12-03. Review status: criteria provided, single submitter. Criteria: Sema4 Curation Guidelines. Collection method: curation. Allele origin: germline.

Women's Health and Genetics/Laboratory Corporation of America, LabCorp
Classification: Benign. Last evaluated: 2018-09-28. Review status: criteria provided, single submitter. Criteria: LabCorp Variant Classification Summary - May 2015. Collection method: clinical testing. Allele origin: germline.
Comment: Variant summary: APC c.3963C>T alters a non-conserved nucleotide resulting in a synonymous change. The variant allele was found at a frequency of 0.00015 in 276872 control chromosomes, predominantly at a frequency of 0.0017 within the African subpopulation in the gnomAD database. The observed variant frequency within African control individuals in the gnomAD database is approximately 23.8 fold of the estimated maximal expected allele frequency for a pathogenic variant in APC causing Familial Adenomatous Polyposis phenotype (7.1e-05), strongly suggesting that the variant is a benign polymorphism found primarily in populations of African origin. To our knowledge, no occurrence of c.3963C>T in individuals affected with Familial Adenomatous Polyposis and no experimental evidence demonstrating its impact on protein function have been reported. Three clinical diagnostic laboratories have submitted clinical-significance assessments for this variant to ClinVar after 2014 without evidence for independent evaluation. All laboratories classified the variant as benign/likely benign. Based on the evidence outlined above, the variant was classified as benign.

Color Diagnostics, LLC DBA Color Health
Classification: Likely benign for Hereditary cancer-predisposing syndrome. Last evaluated: 2016-04-19. Review status: criteria provided, single submitter. Criteria: ACMG Guidelines, 2015. Collection method: clinical testing. Allele origin: germline.

GeneDx
Classification: Benign. Last evaluated: 2015-07-27. Review status: criteria provided, single submitter. Criteria: GeneDx Variant Classification (06012015). Collection method: clinical testing. Allele origin: germline. Affected: yes.
Comment: This variant is considered likely benign or benign based on one or more of the following criteria: it is a conservative change, it occurs at a poorly conserved position in the protein, it is predicted to be benign by multiple in silico algorithms, and/or has population frequency not consistent with disease.

Ambry Genetics
Classification: Likely benign for Hereditary cancer-predisposing syndrome. Last evaluated: 2014-11-18. Review status: criteria provided, single submitter. Criteria: Ambry Variant Classification Scheme 2023. Collection method: clinical testing. Allele origin: germline.

PreventionGenetics, part of Exact Sciences
Classification: Likely benign for APC-related condition. Last evaluated: 2022-04-18. Review status: no assertion criteria provided. Collection method: clinical testing. Allele origin: germline. Not counted in ClinVar's aggregate classification.
Comment: This variant is classified as likely benign based on ACMG/AMP sequence variant interpretation guidelines (Richards et al. 2015 PMID: 25741868, with internal and published modifications).

NM_000038.6(APC):c.3963C>T (p.Ser1321=)

Gene: APC (APC regulator of Wnt signaling pathway; plus strand). Cytogenetic location: 5q22.2.
Variant type: single nucleotide variant.
Coding change: c.3963C>T on transcript NM_000038.6 (MANE Select); coding-DNA position 3963, C replaced by T.
Protein change: p.Ser1321=; no amino-acid change (serine 1321 retained).
Molecular consequence: synonymous variant.
Genome position (GRCh38, 1-based): chr5:112,839,557, C>T. VCF-style: chr5-112839557-C-T. GRCh37 (hg19) VCF-style: chr5-112175254-C-T.
Other names: c.3963C>T, p.Ser1321= (NM_001127510.3, NM_001354895.2); c.3909C>T, p.Ser1303= (NM_001127511.3); c.4017C>T, p.Ser1339= (NM_001354896.2); c.3993C>T, p.Ser1331= (NM_001354897.2); c.3888C>T, p.Ser1296= (NM_001354898.2); c.3879C>T, p.Ser1293= (NM_001354899.2); c.3840C>T, p.Ser1280= (NM_001354900.2); c.3786C>T, p.Ser1262= (NM_001354901.2); and 5 more.
Identifiers: ClinVar variation 184173 (VCV000184173.30), dbSNP rs150595875, ClinGen allele CA008827.